The following is an entry in ClinVar:

NM_003742.4(ABCB11):c.2478C>T (p.Leu826=)

Gene: ABCB11 (ATP binding cassette subfamily B member 11; minus strand). Cytogenetic location: 2q31.1.
Variant type: single nucleotide variant.
Coding change: c.2478C>T on transcript NM_003742.4 (MANE Select); coding-DNA position 2478, C replaced by T.
Protein change: p.Leu826=; no amino-acid change (leucine 826 retained).
Molecular consequence: synonymous variant.
Genome position (GRCh38, 1-based): chr2:168,944,737, G>A on the plus strand (C>T on the coding strand, the complement: ABCB11 is on the minus strand). VCF-style: chr2-168944737-G-A. GRCh37 (hg19) VCF-style: chr2-169801247-G-A.
Other names: c.2478C>T (NM_003742.2).
Identifiers: ClinVar variation 2003497 (VCV002003497.5), dbSNP rs762069217, ClinGen allele CA429985344.
Genomic context (GRCh38, chr2:168,944,737, plus strand): 5'-CCAGGCAATATCTTGCCCCAGCATTGCCCTGAAACCAAATTTACGTAGCCTTTTTGTTAG[G>A]AGCTCCCCAGATTTAGCAAAGGCATATCCCTAAAACATGAAGAGGGAGATGTTAGAGAAA-3'
Protein context (NP_003733.2, residues 816-836): QGYAFAKSGE[Leu826=]LTKRLRKFGF

ClinVar aggregate classification (germline): Likely benign. Review status: criteria provided, multiple submitters, no conflicts (2 of 4 stars). 2 submissions from 2 submitters: Likely benign (2). Last evaluated 2026-08-10.

Conditions:
ABCB11-related disorder. Also called: ABCB11-related condition.

Submissions (2):

PreventionGenetics, part of Exact Sciences
Classification: Likely benign for ABCB11-related condition. Last evaluated: 2026-08-10. Review status: criteria provided, single submitter. Criteria: ACMG Guidelines, 2015. Collection method: clinical testing. Allele origin: germline.
Comment: This variant is classified as likely benign based on ACMG/AMP sequence variant interpretation guidelines (Richards et al. 2015 PMID: 25741868, with internal and published modifications).

Labcorp Genetics (formerly Invitae), Labcorp
Classification: Likely benign. Last evaluated: 2022-12-22. Review status: criteria provided, single submitter. Criteria: Invitae Variant Classification Sherloc (09022015). Collection method: clinical testing. Allele origin: germline.